The following is an entry in ClinVar:

NM_001384732.1(CPLANE1):c.8633-4_8633-3del

Gene: CPLANE1 (ciliogenesis and planar polarity effector complex subunit 1; minus strand). Cytogenetic location: 5p13.2.
Variant type: Deletion.
Coding change: c.8633-4_8633-3del on transcript NM_001384732.1 (MANE Select); 4 bases into the intron before coding-DNA position 8633 through 3 bases into the intron before coding-DNA position 8633, 2 bases deleted (TT; older notation c.8633-4_8633-3delTT).
Molecular consequence: intron variant.
Genome position (GRCh38, 1-based): chr5:37,139,373-37,139,374, AA deleted on the plus strand (TT on the coding strand, the reverse complement: CPLANE1 is on the minus strand); deleting any 2 consecutive bases within chr5:37,139,373-37,139,382 gives the same sequence; the c. name uses the placement nearest the transcript's 3' end. VCF-style (leftmost placement, unchanged base first): chr5-37139372-TAA-T. GRCh37 (hg19) VCF-style: chr5-37139474-TAA-T.
Other names: NC_000005.9:g.37139483_37139484del; c.8471-4_8471-3del (NM_023073.4); c.8633-12_8633-11del (NM_001384732.1).
Identifiers: ClinVar variation 3256724 (VCV003256724.3).

ClinVar aggregate classification (germline): Conflicting classifications of pathogenicity. Review status: criteria provided, conflicting classifications (1 of 4 stars). 2 submissions from 2 submitters: Uncertain significance (1); Benign (1). Last evaluated 2025-07-21.

Conditions:
Joubert syndrome 17 (JBTS17). Identifiers: Orphanet 475, MedGen C3553264, MONDO:0013824, OMIM 614615.

Submissions (3):

Labcorp Genetics (formerly Invitae), Labcorp
Classification: Benign. Last evaluated: 2025-07-21. Review status: criteria provided, single submitter. Criteria: Invitae Variant Classification Sherloc (09022015). Collection method: clinical testing. Allele origin: germline.

Cytogenetics and Genomics Lab, Cyprus Institute Of Neurology and Genetics
Classification: Uncertain significance for Joubert syndrome 17. Last evaluated: 2024-07-20. Review status: criteria provided, single submitter. Criteria: ACGS Guidelines, 2020. Collection method: research. Allele origin: paternal. Affected: yes.
Comment: The variant is found in extremely low frequency in gnomAD population databases (PM2_supporting) while multiple lines of computational tools support a deleterious effect on the gene product (PP3_supporting). The variant was found in compound heterozygous state with NM_001384732.1:c.1819del.

Dr. Peter K. Rogan Lab, Western University
No classification provided (evidence only). Condition: Gastric cancer. Review status: no classification provided. Collection method: in vitro. Allele origin: not applicable. Functional consequence: skipped exon. Not counted in ClinVar's aggregate classification.